The following is an entry in ClinVar:

NM_001367624.2(ZNF469):c.5946T>C (p.His1982=)

Gene: ZNF469 (zinc finger protein 469; plus strand). Cytogenetic location: 16q24.2.
Variant type: single nucleotide variant.
Coding change: c.5946T>C on transcript NM_001367624.2 (MANE Select); coding-DNA position 5946, T replaced by C.
Protein change: p.His1982=; no amino-acid change (histidine 1982 retained).
Molecular consequence: synonymous variant.
Genome position (GRCh38, 1-based): chr16:88,433,416, T>C. VCF-style: chr16-88433416-T-C. GRCh37 (hg19) VCF-style: chr16-88499824-T-C.
Other names: NM_001127464.2:c.5862T>C; NM_001127464.1:c.5862T>C.
Identifiers: ClinVar variation 2199954 (VCV002199954.7), dbSNP rs753855061, ClinGen allele CA8225116.

ClinVar aggregate classification (germline): Likely benign. Review status: criteria provided, multiple submitters, no conflicts (2 of 4 stars). 3 submissions from 3 submitters: Likely benign (2). 1 of the submissions does not count toward it. Last evaluated 2025-07-04.

Conditions:
ZNF469-related disorder. Also called: ZNF469-related condition.
Cardiovascular phenotype. Identifiers: MedGen CN230736.

Allele frequency attached by ClinVar (database versions not stated): gnomAD 0.00001; gnomAD exomes 0.00001; ExAC 0.00005; TOPMed 0.00005.
gnomAD v4.1: 22 of 1,550,212 alleles (0.0014%); highest among the groups gnomAD compares: Admixed American, 0.0078%; no homozygotes.

Submissions (3):

Labcorp Genetics (formerly Invitae), Labcorp
Classification: Likely benign. Last evaluated: 2025-07-04. Review status: criteria provided, single submitter. Criteria: Invitae Variant Classification Sherloc (09022015). Collection method: clinical testing. Allele origin: germline.

Ambry Genetics
Classification: Likely benign for Cardiovascular phenotype. Last evaluated: 2023-12-10. Review status: criteria provided, single submitter. Criteria: Ambry Variant Classification Scheme 2023. Collection method: clinical testing. Allele origin: germline.

PreventionGenetics, part of Exact Sciences
Classification: Likely benign for ZNF469-related condition. Last evaluated: 2020-05-26. Review status: no assertion criteria provided. Collection method: clinical testing. Allele origin: germline. Not counted in ClinVar's aggregate classification.
Comment: This variant is classified as likely benign based on ACMG/AMP sequence variant interpretation guidelines (Richards et al. 2015 PMID: 25741868, with internal and published modifications).